The following is an entry in ClinVar:

ClinVar aggregate classification (germline): Pathogenic/Likely pathogenic. Review status: criteria provided, multiple submitters, no conflicts (2 of 4 stars). 3 submissions from 3 submitters: Pathogenic (2); Likely pathogenic (1). Last evaluated 2024-04-11.

Conditions:
Bainbridge-Ropers syndrome. Also called: Severe feeding difficulties-failure to thrive-microcephaly due to ASXL3 deficiency syndrome. Identifiers: Orphanet 352577, MedGen C4750837, MONDO:0014205, OMIM 615485.

Submissions (3):

GeneDx
Classification: Pathogenic. Last evaluated: 2024-04-11. Review status: criteria provided, single submitter. Criteria: GeneDx Variant Classification Process June 2021. Collection method: clinical testing. Allele origin: germline. Affected: yes.
Comment: Nonsense variant in the C-terminus predicted to result in protein truncation, as the last 426 amino acids are lost, and other loss-of-function variants have been reported downstream in the Human Gene Mutation Database (HGMD); Not observed in large population cohorts (gnomAD); This variant is associated with the following publications: (PMID: 33004838, 30564305)

Women's Health and Genetics/Laboratory Corporation of America, LabCorp
Classification: Likely pathogenic for Bainbridge-Ropers syndrome. Last evaluated: 2023-03-28. Review status: criteria provided, single submitter. Criteria: LabCorp Variant Classification Summary - May 2015. Collection method: clinical testing. Allele origin: germline.
Comment: Variant summary: ASXL3 c.5467C>T (p.Arg1823X) located in the last exon results in a premature termination codon, predicted to cause a truncation of the encoded protein or absence of the protein due to nonsense mediated decay, which are commonly known mechanisms for disease. Truncations downstream of this position have been reported in association with ASXL3-related syndrome (HGMD database and Verhoeven_2018). The variant was absent in 249170 control chromosomes. c.5467C>T has been reported in the literature as a de-novo variant in at-least one individual affected with Autism Spectrum Disorder (ASD) (example, Guo_2018 with patient overlap in Wang_2020). To our knowledge, no experimental evidence demonstrating an impact on protein function has been reported. Two clinical diagnostic laboratories have submitted clinical-significance assessments for this variant to ClinVar after 2014. Both submitters classified the variant as pathogenic. Based on the evidence outlined above, the variant was classified as likely pathogenic.

Victorian Clinical Genetics Services, Murdoch Childrens Research Institute
Classification: Pathogenic for Bainbridge-Ropers syndrome. Last evaluated: 2020-05-25. Review status: criteria provided, single submitter. Criteria: ACMG Guidelines, 2015. Collection method: clinical testing. Allele origin: germline. Inheritance: Autosomal dominant inheritance. Affected: yes.
Comment: Based on the classification scheme VCGS_Germline_v1.1.1, this variant is classified as Pathogenic. Following criteria are met: 0102 - Loss-of-function is a known mechanism of disease for this gene. (N) 0107 - This gene is known to be associated with autosomal dominant disease. (N) 0205 - Variant is predicted to result in a truncated protein with less than 1/3 of the protein affected (exon 12 of 12). (P) 0251 - Variant is heterozygous. (N) 0301 - Variant is absent from gnomAD. (P) 0401 - Variant is located in a gene associated with a severe early-onset dominant condition that is intolerant to loss-of-function variants. (P) 0601 - Variant affects at least one functional domain or motif (PHD domain). While no functional studies have been done in ASXL3, the PHD domain in ASXL2 has been shown to bind to H3K4me2 histone tail (PMID: 26640146 ) (P) 0702 - Comparable downstream truncating variants have previous evidence for pathogenicity. (ClinVar, DECIPHER, PMID: 29628764) (P) 0802 - Moderate previous evidence of pathogenicity in unrelated individuals. De novo in an patient with autism spectrum disorder (PMID: 30564305) (P) 0905 - No segregation evidence has been identified for this variant, ie. no segregation studies published in literature. (N) 1007 - No published functional evidence has been identified for this variant. (N) 1208 - Inheritance information for this variant is not currently available. (N) Legend: (P) - Pathogenic, (N) - Neutral, (B) - Benign

Literature cited by the submitters: PubMed 30564305 (cited by Women's Health and Genetics/Laboratory Corporation of America, LabCorp and Victorian Clinical Genetics Services, Murdoch Childrens Research Institute); PubMed 33004838 (cited by Women's Health and Genetics/Laboratory Corporation of America, LabCorp); PubMed 26640146 (cited by Victorian Clinical Genetics Services, Murdoch Childrens Research Institute); PubMed 29628764 (cited by Victorian Clinical Genetics Services, Murdoch Childrens Research Institute).

NM_030632.3(ASXL3):c.5467C>T (p.Arg1823Ter)

Gene: ASXL3 (ASXL transcriptional regulator 3; plus strand). Cytogenetic location: 18q12.1.
Variant type: single nucleotide variant.
Coding change: c.5467C>T on transcript NM_030632.3 (MANE Select); coding-DNA position 5467, C replaced by T.
Protein change: p.Arg1823Ter; replaces arginine 1823 with a stop codon.
Molecular consequence: nonsense.
Genome position (GRCh38, 1-based): chr18:33,745,315, C>T. VCF-style: chr18-33745315-C-T. GRCh37 (hg19) VCF-style: chr18-31325279-C-T.
Other names: short protein forms R1823*.
Identifiers: ClinVar variation 1696910 (VCV001696910.5), dbSNP rs2145432318, ClinGen allele CA402194440.